The following is an entry in ClinVar:

ClinVar aggregate classification (germline): Likely pathogenic (1 of 4 stars; one submission).

Conditions:
Atypical hemolytic-uremic syndrome. Identifiers: Orphanet 2134, MedGen C2931788, MONDO:0016244.
Age related macular degeneration 4. Identifiers: MedGen C1853147, MONDO:0012540, OMIM 610698.
Basal laminar drusen. Also called: DRUSEN OF BRUCH MEMBRANE; DRUSEN, CUTICULAR; DRUSEN, EARLY ADULT-ONSET, GROUPED. Identifiers: Orphanet 75376, MedGen C0730295, MONDO:0007472, OMIM 126700.
Factor H deficiency (CFHD). Also called: COMPLEMENT FACTOR H DEFICIENCY; CFH DEFICIENCY. Identifiers: Orphanet 200421, MedGen C0398777, MONDO:0012350, OMIM 609814.

Submission:

Genomenon, Inc
Classification: Likely pathogenic for Age related macular degeneration 4; Atypical hemolytic-uremic syndrome; Factor H deficiency; Basal laminar drusen. Last evaluated: 2026-09-17. Review status: criteria provided, single submitter. Criteria: Genomenon Sequence Variant Interpretation Standards - Updated. Collection method: curation. Allele origin: germline. Affected: no.
Comment: CFH p.Glu207TrpfsTer11 (c.617_618dup) is a frameshift variant that is predicted to introduce a premature termination codon and result in a truncated or absent protein product. This variant has been reported in the published literature (PMID: 39437764). It is absent or not present at a significant frequency in gnomAD. In conclusion, we classify CFH p.Glu207TrpfsTer11 (c.617_618dup) as a likely pathogenic variant.

Literature cited by the submitters: PubMed 39437764.

NM_000186.4(CFH):c.617_618dup (p.Glu207fs)

Gene: CFH (complement factor H; plus strand). Cytogenetic location: 1q31.3.
Variant type: Microsatellite.
Coding change: c.617_618dup on transcript NM_000186.4 (MANE Select); coding-DNA positions 617 to 618, 2 bases duplicated (TG; older notation c.617_618dupTG).
Protein change: p.Glu207fs; shifts the reading frame from glutamic acid 207.
Molecular consequence: frameshift variant.
Genome position (GRCh38, 1-based): chr1:196,677,665-196,677,666, TG duplicated; duplicating any 2 consecutive bases within chr1:196,677,660-196,677,666 gives the same sequence; the c. name uses the placement nearest the transcript's 3' end. VCF-style (leftmost placement, unchanged base first): chr1-196677659-A-AGT. GRCh37 (hg19) VCF-style: chr1-196646789-A-AGT.
Other names: c.617_618dup, p.Glu207fs (NM_001014975.3); short protein forms E207fs.
Identifiers: ClinVar variation 4291311 (VCV004291311.2).